The following is an entry in ClinVar:

NM_001278512.2(AP3B2):c.114-1G>A

Genes: AP3B2 (adaptor related protein complex 3 subunit beta 2; minus strand), CPEB1-AS1 (CPEB1 antisense RNA 1; plus strand). Cytogenetic location: 15q25.2.
Variant type: single nucleotide variant.
Coding change: c.114-1G>A on transcript NM_001278512.2 (MANE Select); the canonical splice acceptor site of the intron before coding-DNA position 114, G replaced by A.
Molecular consequence: splice acceptor variant.
Genome position (GRCh38, 1-based): chr15:82,689,454, C>T on the plus strand (G>A on the coding strand, the complement: AP3B2 is on the minus strand). VCF-style: chr15-82689454-C-T. GRCh37 (hg19) VCF-style: chr15-83358206-C-T.
Other names: c.114-1G>A (NM_001278511.2, NM_004644.5, NM_001348440.2).
Identifiers: ClinVar variation 1470341 (VCV001470341.9), dbSNP rs2151449531, ClinGen allele CA393302509.

ClinVar aggregate classification (germline): Likely pathogenic. Review status: criteria provided, multiple submitters, no conflicts (2 of 4 stars). 2 submissions from 2 submitters: Likely pathogenic (2). Last evaluated 2022-12-04.

Submissions (2):

GeneDx
Classification: Likely pathogenic. Last evaluated: 2022-12-04. Review status: criteria provided, single submitter. Criteria: GeneDx Variant Classification Process June 2021. Collection method: clinical testing. Allele origin: germline. Affected: yes.
Comment: Canonical splice site variant predicted to result in a null allele in a gene for which loss of function is a known mechanism of disease; Not observed at significant frequency in large population cohorts (gnomAD); Has not been previously published as pathogenic or benign to our knowledge

Labcorp Genetics (formerly Invitae), Labcorp
Classification: Likely pathogenic. Last evaluated: 2022-03-03. Review status: criteria provided, single submitter. Criteria: Invitae Variant Classification Sherloc (09022015). Collection method: clinical testing. Allele origin: germline.
Comment: In summary, the currently available evidence indicates that the variant is pathogenic, but additional data are needed to prove that conclusively. Therefore, this variant has been classified as Likely Pathogenic. Algorithms developed to predict the effect of sequence changes on RNA splicing suggest that this variant may disrupt the consensus splice site. This variant has not been reported in the literature in individuals affected with AP3B2-related conditions. This variant is not present in population databases (gnomAD no frequency). This sequence change affects an acceptor splice site in intron 1 of the AP3B2 gene. It is expected to disrupt RNA splicing. Variants that disrupt the donor or acceptor splice site typically lead to a loss of protein function (PMID: 16199547), and loss-of-function variants in AP3B2 are known to be pathogenic (PMID: 27889060).

Literature cited by the submitters: PubMed 16199547 (cited by Labcorp Genetics (formerly Invitae), Labcorp); PubMed 27889060 (cited by Labcorp Genetics (formerly Invitae), Labcorp).